The following is an entry in ClinVar:

NM_006612.6(KIF1C):c.2719C>T (p.Arg907Cys)

Gene: KIF1C (kinesin family member 1C; plus strand). Cytogenetic location: 17p13.2.
Variant type: single nucleotide variant.
Coding change: c.2719C>T on transcript NM_006612.6 (MANE Select); coding-DNA position 2719, C replaced by T.
Protein change: p.Arg907Cys; replaces arginine 907 with cysteine.
Molecular consequence: missense variant.
Genome position (GRCh38, 1-based): chr17:5,023,558, C>T. VCF-style: chr17-5023558-C-T. GRCh37 (hg19) VCF-style: chr17-4926853-C-T.
Other names: short protein forms R907C.
Identifiers: ClinVar variation 536735 (VCV000536735.9), dbSNP rs758990694, ClinGen allele CA8319368.
Genomic context (GRCh38, chr17:5,023,558, plus strand): 5'-GAGGTCCCCTGGGCCCCGCCTGAAGGATCAGAGGCAGCAGAGGAGGCAGCCCCCAGTGAC[C>T]GCATGCCGTCAGCCCGGCCCCCCTCGCCACCACTGTCAAGCTGGGAGCGGGTGTCACGGC-3'
Protein context (NP_006603.2, residues 897-917): EAAEEAAPSD[Arg907Cys]MPSARPPSPP

ClinVar aggregate classification (germline): Uncertain significance. Review status: criteria provided, multiple submitters, no conflicts (2 of 4 stars). 2 submissions from 2 submitters: Uncertain significance (2). Last evaluated 2025-07-03.

Conditions:
Inborn genetic diseases. Identifiers: MedGen C0950123, MeSH D030342.
Spastic ataxia 2. Also called: Ataxia, spastic, 2, autosomal recessive. Identifiers: Orphanet 397946, MedGen C1969796, MONDO:0012651, OMIM 611302.

Allele frequency attached by ClinVar (database versions not stated): ExAC 0.00001; gnomAD exomes 0.00002; gnomAD 0.00004 and 0.00005; TOPMed 0.00004.
gnomAD v4.1: 49 of 1,613,588 alleles (0.003%); highest among the groups gnomAD compares: African/African-American, 0.008%; no homozygotes.

Submissions (2):

Ambry Genetics
Classification: Uncertain significance for Inborn genetic diseases. Last evaluated: 2025-07-03. Review status: criteria provided, single submitter. Criteria: Ambry Variant Classification Scheme 2023. Collection method: clinical testing. Allele origin: germline.

Labcorp Genetics (formerly Invitae), Labcorp
Classification: Uncertain significance for Spastic ataxia 2. Last evaluated: 2024-10-24. Review status: criteria provided, single submitter. Criteria: Invitae Variant Classification Sherloc (09022015). Collection method: clinical testing. Allele origin: germline.
Comment: This sequence change replaces arginine, which is basic and polar, with cysteine, which is neutral and slightly polar, at codon 907 of the KIF1C protein (p.Arg907Cys). This variant is present in population databases (rs758990694, gnomAD 0.01%). This variant has not been reported in the literature in individuals affected with KIF1C-related conditions. ClinVar contains an entry for this variant (Variation ID: 536735). An algorithm developed to predict the effect of missense changes on protein structure and function (PolyPhen-2) suggests that this variant is likely to be tolerated. In summary, the available evidence is currently insufficient to determine the role of this variant in disease. Therefore, it has been classified as a Variant of Uncertain Significance.